The following is an entry in ClinVar:

NM_018297.4(NGLY1):c.1124A>G (p.Tyr375Cys)

Gene: NGLY1 (N-glycanase 1; minus strand). Cytogenetic location: 3p24.2.
Variant type: single nucleotide variant.
Coding change: c.1124A>G on transcript NM_018297.4 (MANE Select); coding-DNA position 1124, A replaced by G.
Protein change: p.Tyr375Cys; replaces tyrosine 375 with cysteine.
Molecular consequence: missense variant. On other transcripts: intron variant (1).
Genome position (GRCh38, 1-based): chr3:25,736,029, T>C on the plus strand (A>G on the coding strand, the complement: NGLY1 is on the minus strand). VCF-style: chr3-25736029-T-C. GRCh37 (hg19) VCF-style: chr3-25777520-T-C.
Other names: c.1124A>G (NM_018297.3); c.998A>G, p.Tyr333Cys (NM_001145294.2); c.1124A>G, p.Tyr375Cys (NM_001145295.2); c.1095+280A>G (NM_001145293.2); short protein forms Y333C, Y375C.
Identifiers: ClinVar variation 4740057 (VCV004740057.2).

ClinVar aggregate classification (germline): Uncertain significance. Review status: criteria provided, multiple submitters, no conflicts (2 of 4 stars). 2 submissions from 2 submitters: Uncertain significance (2). Last evaluated 2026-06-10.

Conditions:
Congenital disorder of deglycosylation (CDDG). Identifiers: MedGen C3808991, MONDO:0031376.
Inborn genetic diseases. Identifiers: MedGen C0950123, MeSH D030342.

gnomAD v4.1: 2 of 1,613,568 alleles (0.00012%); no homozygotes.

Submissions (2):

Ambry Genetics
Classification: Uncertain significance for Inborn genetic diseases. Last evaluated: 2026-06-10. Review status: criteria provided, single submitter. Criteria: Ambry Variant Classification Scheme 2023. Collection method: clinical testing. Allele origin: germline.

Labcorp Genetics (formerly Invitae), Labcorp
Classification: Uncertain significance for Congenital disorder of deglycosylation. Last evaluated: 2025-06-05. Review status: criteria provided, single submitter. Criteria: Invitae Variant Classification Sherloc (09022015). Collection method: clinical testing. Allele origin: germline.
Comment: This sequence change replaces tyrosine, which is neutral and polar, with cysteine, which is neutral and slightly polar, at codon 375 of the NGLY1 protein (p.Tyr375Cys). This variant is present in population databases (rs761852896, gnomAD 0.0009%). This variant has not been reported in the literature in individuals affected with NGLY1-related conditions. Invitae Evidence Modeling of protein sequence and biophysical properties (such as structural, functional, and spatial information, amino acid conservation, physicochemical variation, residue mobility, and thermodynamic stability) indicates that this missense variant is expected to disrupt NGLY1 protein function with a positive predictive value of 80%. In summary, the available evidence is currently insufficient to determine the role of this variant in disease. Therefore, it has been classified as a Variant of Uncertain Significance.